The following is an entry in ClinVar:

ClinVar aggregate classification (germline): Likely benign (1 of 4 stars; one submission).

Submission:

CeGaT Center for Human Genetics Tuebingen
Classification: Likely benign. Last evaluated: 2025-08-01. Review status: criteria provided, single submitter. Criteria: CeGaT Center For Human Genetics Tuebingen Variant Classification Criteria Version 2. Collection method: clinical testing. Allele origin: germline. Affected: yes. Observed: 1 variant allele.
Comment: SMARCB1: PM2:Supporting, BP4, BP7

NM_003073.5(SMARCB1):c.966T>C (p.His322=)

Gene: SMARCB1 (SWI/SNF related BAF chromatin remodeling complex subunit B1; plus strand). Cytogenetic location: 22q11.23.
Variant type: single nucleotide variant.
Coding change: c.966T>C on transcript NM_003073.5 (MANE Select); coding-DNA position 966, T replaced by C.
Protein change: p.His322=; no amino-acid change (histidine 322 retained).
Molecular consequence: synonymous variant.
Genome position (GRCh38, 1-based): chr22:23,825,395, T>C. VCF-style: chr22-23825395-T-C. GRCh37 (hg19) VCF-style: chr22-24167582-T-C.
Other names: c.939T>C, p.His313= (NM_001007468.3); c.993T>C, p.His331= (NM_001317946.2); c.1020T>C, p.His340= (NM_001362877.2).
Identifiers: ClinVar variation 4085799 (VCV004085799.8).